The following is an entry in ClinVar:

NM_001118887.2(ANGPT2):c.160C>T (p.Arg54Cys)

Genes: ANGPT2 (angiopoietin 2; minus strand), MCPH1 (microcephalin 1; plus strand). Cytogenetic location: 8p23.1.
Variant type: single nucleotide variant.
Coding change: c.160C>T on transcript NM_001118887.2 (MANE Select); coding-DNA position 160, C replaced by T.
Protein change: p.Arg54Cys; replaces arginine 54 with cysteine.
Molecular consequence: missense variant. On other transcripts: intron variant (5).
Genome position (GRCh38, 1-based): chr8:6,562,775, G>A on the plus strand (C>T on the coding strand, the complement: ANGPT2 is on the minus strand). VCF-style: chr8-6562775-G-A. GRCh37 (hg19) VCF-style: chr8-6420296-G-A.
Other names: c.160C>T, p.Arg54Cys (NM_001118888.2, NM_001147.3, NM_001386335.1 and 2 more transcripts); c.2215-58679G>A (NM_001322042.2, NM_024596.5, NM_001363979.1 and 1 more transcripts); c.1936-58679G>A (NM_001363980.2); short protein forms R54C.
Identifiers: ClinVar variation 4292058 (VCV004292058.1).

ClinVar aggregate classification (germline): Uncertain significance (1 of 4 stars; one submission).

Conditions:
Lymphatic malformation 10. Identifiers: MedGen C5543531, MONDO:0023662, OMIM 619369.

gnomAD v4.1: 21 of 1,613,736 alleles (0.0013%); highest among the groups gnomAD compares: East Asian, 0.0022%; no homozygotes.

Submission:

3billion
Classification: Uncertain significance for Lymphatic malformation 10. Last evaluated: 2024-12-06. Review status: criteria provided, single submitter. Criteria: ACMG Guidelines, 2015. Collection method: clinical testing. Allele origin: germline. Affected: yes.
Comment: The variant is observed at an extremely low frequency in the gnomAD v4.1.0 dataset (total allele frequency: 0.001%). Predicted Consequence/Location: Missense variant Damaging effect on gene or gene product predicted by in silico programs is uncertain [REVEL: 0.49 (damaging >=0.6, benign <0.4)]. Different missense changes at the same codon have been reported as of uncertain significance (ClinVar ID: VCV002611481). Therefore, this variant is classified as VUS according to the recommendation of ACMG/AMP guideline.